The following is an entry in ClinVar:

NM_001127222.2(CACNA1A):c.5068-2_5071del

Gene: CACNA1A (calcium voltage-gated channel subunit alpha1 A; minus strand). Cytogenetic location: 19p13.13.
Variant type: Deletion.
Coding change: c.5068-2_5071del on transcript NM_001127222.2 (MANE Select); the canonical splice acceptor site of the intron before coding-DNA position 5068 through coding-DNA position 5071, 6 bases deleted (AGGCCC; older notation c.5068-2_5071delAGGCCC).
Molecular consequence: splice acceptor variant.
Genome position (GRCh38, 1-based): chr19:13,235,271-13,235,276, GGGCCT deleted on the plus strand (AGGCCC on the coding strand, the reverse complement: CACNA1A is on the minus strand); deleting any 6 consecutive bases within chr19:13,235,271-13,235,278 gives the same sequence; the c. name uses the placement nearest the transcript's 3' end. VCF-style (leftmost placement, unchanged base first): chr19-13235270-AGGGCCT-A. GRCh37 (hg19) VCF-style: chr19-13346084-AGGGCCT-A.
Other names: c.5071-2_5074del (NM_001127221.2); c.5077-2_5080del (NM_001174080.2); c.5086-2_5089del (NM_000068.4, NM_023035.3).
Identifiers: ClinVar variation 3775440 (VCV003775440.1).
Genomic context (GRCh38, chr19:13,235,270, plus strand): 5'-TGCATCCCAATGATGGCATAGATGAAGAAGAGCATGGCGATCAGCAGACAGACATAAGGC[AGGGCCT>A]GGTGGGAAAAAAGGCAATGAAGAAGAGTGCTGGGGGTCCCTCAGCCGCACTGTCTTCCTC-3'

ClinVar aggregate classification (germline): Likely pathogenic (1 of 4 stars; one submission).

Conditions:
Developmental and epileptic encephalopathy, 42 (DEE42A). Also called: Epileptic encephalopathy, early infantile, 42; DEVELOPMENTAL AND EPILEPTIC ENCEPHALOPATHY 42A; EPILEPTIC ENCEPHALOPATHY, EARLY INFANTILE, 42A. Identifiers: MedGen C4310716, MONDO:0014917, OMIM 617106.

Submission:

3billion
Classification: Likely pathogenic for Developmental and epileptic encephalopathy, 42. Last evaluated: 2024-03-12. Review status: criteria provided, single submitter. Criteria: ACMG Guidelines, 2015. Collection method: clinical testing. Allele origin: germline. Affected: yes.
Comment: The variant is not observed in the gnomAD v2.1.1 dataset. Predicted Consequence/Location: Canonical splice site: predicted to alter splicing and result in a loss or disruption of normal protein function. Multiple pathogenic loss-of-function variants are reported downstream of the variant. Therefore, this variant is classified as Likely pathogenic according to the recommendation of ACMG/AMP guideline.